The following is an entry in ClinVar:

ClinVar aggregate classification (germline): Uncertain significance. Review status: criteria provided, multiple submitters, no conflicts (2 of 4 stars). 2 submissions from 2 submitters: Uncertain significance (2). Last evaluated 2024-08-05.

Conditions:
Hereditary cancer-predisposing syndrome. Also called: Hereditary Cancer Syndrome; Neoplastic Syndromes, Hereditary; Hereditary neoplastic syndrome; Tumor predisposition. Identifiers: Orphanet 140162, MedGen C0027672, MeSH D009386, MONDO:0015356.

Submissions (2):

Ambry Genetics
Classification: Uncertain significance for Hereditary cancer-predisposing syndrome. Last evaluated: 2024-08-05. Review status: criteria provided, single submitter. Criteria: Ambry Variant Classification Scheme 2023. Collection method: clinical testing. Allele origin: germline.
Comment: The p.S518P variant (also known as c.1552T>C), located in coding exon 4 of the PALB2 gene, results from a T to C substitution at nucleotide position 1552. The serine at codon 518 is replaced by proline, an amino acid with similar properties. This amino acid position is well conserved in available vertebrate species. In addition, this alteration is predicted to be tolerated by in silico analysis. Based on the available evidence, the clinical significance of this variant remains unclear.

GeneDx
Classification: Uncertain significance. Last evaluated: 2016-02-29. Review status: criteria provided, single submitter. Criteria: GeneDx Variant Classification (06012015). Collection method: clinical testing. Allele origin: germline. Affected: yes.
Comment: This variant is denoted PALB2 c.1552T>C at the cDNA level, p.Ser518Pro (S518P) at the protein level, and results in the change of a Serine to a Proline (TCA>CCA). This variant has not, to our knowledge, been published in the literature as pathogenic or benign. PALB2 Ser518Pro was not observed in approximately 6,500 individuals of European and African American ancestry in the NHLBI Exome Sequencing Project, suggesting it is not a common benign variant in these populations. Since Serine and Proline differ in polarity, charge, size or other properties, this is considered a non-conservative amino acid substitution. PALB2 Ser518Pro occurs at a position that is not conserved and is located in the DNA binding region (UniProt). In silico analyses are inconsistent regarding the effect this variant may have on protein structure and function. Based on currently available evidence, it is unclear whether PALB2 Ser518Pro is a pathogenic or benign variant. We consider it to be a variant of uncertain significance.

NM_024675.4(PALB2):c.1552T>C (p.Ser518Pro)

Gene: PALB2 (partner and localizer of BRCA2; minus strand). Cytogenetic location: 16p12.2.
Variant type: single nucleotide variant.
Coding change: c.1552T>C on transcript NM_024675.4 (MANE Select); coding-DNA position 1552, T replaced by C.
Protein change: p.Ser518Pro; replaces serine 518 with proline.
Molecular consequence: missense variant.
Genome position (GRCh38, 1-based): chr16:23,634,994, A>G on the plus strand (T>C on the coding strand, the complement: PALB2 is on the minus strand). VCF-style: chr16-23634994-A-G. GRCh37 (hg19) VCF-style: chr16-23646315-A-G.
Other names: short protein forms S518P.
Identifiers: ClinVar variation 142810 (VCV000142810.5), dbSNP rs587782735, ClinGen allele CA169468.
Genomic context (GRCh38, chr16:23,634,994, plus strand): 5'-TCGACAGGCTAGAAGTTGGCAAAAGTGGTTCACAATGATCTGATGCTGGGGTGCAGGCTG[A>G]TTTTCTTTTTCCTGTGTATCTTCTACCAGGTGCTTGGGCAACTGCCTTCCTAGACAAGTC-3'
Protein context (NP_078951.2, residues 508-528): PGRRYTGKRK[Ser518Pro]ACTPASDHCE